The following is an entry in ClinVar:

NM_173728.4(ARHGEF15):c.1851G>C (p.Arg617Ser)

Gene: ARHGEF15 (Rho guanine nucleotide exchange factor 15; plus strand). Cytogenetic location: 17p13.1.
Variant type: single nucleotide variant.
Coding change: c.1851G>C on transcript NM_173728.4 (MANE Select); coding-DNA position 1851, G replaced by C.
Protein change: p.Arg617Ser; replaces arginine 617 with serine.
Molecular consequence: missense variant.
Genome position (GRCh38, 1-based): chr17:8,318,641, G>C. VCF-style: chr17-8318641-G-C. GRCh37 (hg19) VCF-style: chr17-8221959-G-C.
Other names: c.1851G>C, p.Arg617Ser (NM_025014.2); short protein forms R617S.
Identifiers: ClinVar variation 1994773 (VCV001994773.4), dbSNP rs2543946951, ClinGen allele CA398023171.
Genomic context (GRCh38, chr17:8,318,641, plus strand): 5'-TTGCAGCGCTGAGGTGGGGCGCATGAAGCAGACTGAAGAGCTGATCCGGCTCACCCAAAG[G>C]CTGCGCTTCCACAAAGTCAAGGTACATCGCTGCCCAGGCTCCCCATCTTGCCCTGCCCCA-3'
Protein context (NP_776089.2, residues 607-627): QTEELIRLTQ[Arg617Ser]LRFHKVKALP

ClinVar aggregate classification (germline): Uncertain significance (1 of 4 stars; one submission).

Conditions:
Early-infantile DEE. Also called: Ohtahara syndrome; Early infantile epileptic encephalopathy; Early infantile epileptic encephalopathy with suppression bursts. Identifiers: Orphanet 1934, MedGen C0393706, MONDO:0800491.

Allele frequency attached by ClinVar (database versions not stated): gnomAD exomes below 0.00001.
gnomAD v4.1: 1 of 1,613,548 alleles (0.000062%); highest among the groups gnomAD compares: African/African-American, 0.0013%; no homozygotes.

Submission:

Labcorp Genetics (formerly Invitae), Labcorp
Classification: Uncertain significance for Early-infantile DEE. Last evaluated: 2022-05-25. Review status: criteria provided, single submitter. Criteria: Invitae Variant Classification Sherloc (09022015). Collection method: clinical testing. Allele origin: germline.
Comment: In summary, the available evidence is currently insufficient to determine the role of this variant in disease. Therefore, it has been classified as a Variant of Uncertain Significance. Algorithms developed to predict the effect of missense changes on protein structure and function are either unavailable or do not agree on the potential impact of this missense change (SIFT: "Deleterious"; PolyPhen-2: "Benign"; Align-GVGD: "Class C0"). This variant has not been reported in the literature in individuals affected with ARHGEF15-related conditions. This variant is not present in population databases (gnomAD no frequency). This sequence change replaces arginine, which is basic and polar, with serine, which is neutral and polar, at codon 617 of the ARHGEF15 protein (p.Arg617Ser).